The following is an entry in ClinVar:

ClinVar aggregate classification (germline): Uncertain significance. Review status: criteria provided, single submitter (1 of 4 stars). 2 submissions from 2 submitters: Uncertain significance (1). 1 of the submissions does not count toward it. Last evaluated 2025-04-01.

Conditions:
NR0B2-related disorder. Also called: NR0B2-related condition.

gnomAD v4.1: 34 of 1,612,586 alleles (0.0021%); highest among the groups gnomAD compares: Non-Finnish European, 0.0028%; no homozygotes.

Submissions (2):

Ambry Genetics
Classification: Uncertain significance. Last evaluated: 2025-04-01. Review status: criteria provided, single submitter. Criteria: Ambry Variant Classification Scheme 2023. Collection method: clinical testing. Allele origin: germline.

PreventionGenetics, part of Exact Sciences
Classification: Uncertain significance for NR0B2-related condition. Last evaluated: 2024-09-13. Review status: no assertion criteria provided. Collection method: clinical testing. Allele origin: germline. Not counted in ClinVar's aggregate classification.
Comment: The NR0B2 c.253C>T variant is predicted to result in the amino acid substitution p.Arg85Trp. To our knowledge, this variant has not been reported in the literature. This variant is reported in 0.0045% of alleles in individuals of European (Non-Finnish) descent in gnomAD. At this time, the clinical significance of this variant is uncertain due to the absence of conclusive functional and genetic evidence.

NM_021969.3(NR0B2):c.253C>T (p.Arg85Trp)

Genes: NR0B2 (nuclear receptor subfamily 0 group B member 2; minus strand), NUDC (nuclear distribution C, dynein complex regulator; plus strand). Cytogenetic location: 1p36.11.
Variant type: single nucleotide variant.
Coding change: c.253C>T on transcript NM_021969.3 (MANE Select); coding-DNA position 253, C replaced by T.
Protein change: p.Arg85Trp; replaces arginine 85 with tryptophan.
Molecular consequence: missense variant.
Genome position (GRCh38, 1-based): chr1:26,913,688, G>A on the plus strand (C>T on the coding strand, the complement: NR0B2 is on the minus strand). VCF-style: chr1-26913688-G-A. GRCh37 (hg19) VCF-style: chr1-27240179-G-A.
Other names: short protein forms R85W.
Identifiers: ClinVar variation 3350489 (VCV003350489.2).
Genomic context (GRCh38, chr1:26,913,688, plus strand): 5'-CAGCATCTTGGGCCAACCCAAGCAGGAAGAGGGGGCCCCAGCAACCCTGCAGCAGCCGCC[G>A]CTGGTCCTGGGGAGGCAGCTGCCAGAAGGATGGCAGGTTCCTGAGGAAGGCCACTGTCTT-3'
Protein context (NP_068804.1, residues 75-95): SFWQLPPQDQ[Arg85Trp]RLLQGCWGPL